The following is an entry in ClinVar:

NC_000012.12:g.109125957A>G

Genes: ACACB (acetyl-CoA carboxylase beta; plus strand), UNG (uracil DNA glycosylase; plus strand). Cytogenetic location: 12q24.11.
Variant type: single nucleotide variant.
Molecular consequence: intron variant (on NM_001093.4).
Genome position: GRCh38 VCF-style: chr12-109125957-A-G. GRCh37 (hg19) VCF-style: chr12-109563762-A-G.
Other names: c.-10+12542A>G (NM_001412734.1); c.26+12542A>G (NM_001412737.1); c.-10+9253A>G (NM_001093.4).
Identifiers: ClinVar variation 4085033 (VCV004085033.8).

ClinVar aggregate classification (germline): Uncertain significance (1 of 4 stars; one submission).

gnomAD v4.1: 23 of 152,038 alleles (0.015%); highest among the groups gnomAD compares: Non-Finnish European, 0.032%; no homozygotes.

Submission:

CeGaT Center for Human Genetics Tuebingen
Classification: Uncertain significance. Last evaluated: 2025-07-01. Review status: criteria provided, single submitter. Criteria: CeGaT Center For Human Genetics Tuebingen Variant Classification Criteria Version 2. Collection method: clinical testing. Allele origin: germline. Affected: yes. Observed: 1 variant allele.
Comment: UNG: PM2